The following is an entry in ClinVar:

NM_001048174.2(MUTYH):c.934C>G (p.His312Asp)

Gene: MUTYH (mutY DNA glycosylase; minus strand). Cytogenetic location: 1p34.1.
Variant type: single nucleotide variant.
Coding change: c.934C>G on transcript NM_001048174.2 (MANE Select); coding-DNA position 934, C replaced by G.
Protein change: p.His312Asp; replaces histidine 312 with aspartic acid.
Molecular consequence: missense variant. On other transcripts: non-coding transcript variant (7).
Genome position (GRCh38, 1-based): chr1:45,331,829, G>C on the plus strand (C>G on the coding strand, the complement: MUTYH is on the minus strand). VCF-style: chr1-45331829-G-C. GRCh37 (hg19) VCF-style: chr1-45797501-G-C.
Other names: c.934C>G, p.His312Asp (NM_001293195.2, NM_001407070.1, NM_001407072.1 and 6 more transcripts); c.658C>G, p.His220Asp (NM_001293196.2, NM_001407091.1, NM_001293192.2); c.589C>G, p.His197Asp (NM_001350650.2, NM_001350651.2, NM_001407082.1); c.967C>G, p.His323Asp (NM_001407069.1, NM_001293191.2, NM_001407077.1); c.937C>G, p.His313Asp (NM_001407071.1, NM_001048172.2, NM_001407078.1 and 1 more transcripts); c.955C>G, p.His319Asp (NM_001407087.1); c.1009C>G, p.His337Asp (NM_012222.3); c.1018C>G, p.His340Asp (NM_001128425.2); and 5 more; short protein forms H197D, H220D, H327D, H340D, H299D, H337D, H284D, H313D.
Identifiers: ClinVar variation 4112925 (VCV004112925.1).

ClinVar aggregate classification (germline): Uncertain significance (1 of 4 stars; one submission).

Conditions:
Hereditary cancer-predisposing syndrome. Also called: Tumor predisposition; Neoplastic Syndromes, Hereditary; Hereditary neoplastic syndrome; Hereditary Cancer Syndrome. Identifiers: Orphanet 140162, MedGen C0027672, MeSH D009386, MONDO:0015356.

Submission:

Ambry Genetics
Classification: Uncertain significance for Hereditary cancer-predisposing syndrome. Last evaluated: 2025-08-27. Review status: criteria provided, single submitter. Criteria: Ambry Variant Classification Scheme 2023. Collection method: clinical testing. Allele origin: germline.
Comment: The p.H340D variant (also known as c.1018C>G), located in coding exon 12 of the MUTYH gene, results from a C to G substitution at nucleotide position 1018. The histidine at codon 340 is replaced by aspartic acid, an amino acid with similar properties. This amino acid position is conserved. In addition, this alteration is predicted to be tolerated by in silico analysis. Based on the available evidence, the clinical significance of this variant remains unclear.